The following is an entry in ClinVar:

ClinVar aggregate classification (germline): Uncertain significance. Review status: criteria provided, multiple submitters, no conflicts (2 of 4 stars). 2 submissions from 2 submitters: Uncertain significance (2). Last evaluated 2024-12-19.

Conditions:
Charcot-Marie-Tooth disease axonal type 2O. Also called: CHARCOT-MARIE-TOOTH NEUROPATHY, AXONAL, TYPE 2O; CHARCOT-MARIE-TOOTH DISEASE, AXONAL, AUTOSOMAL DOMINANT, TYPE 2O; Charcot-Marie-Tooth disease, axonal, type 20; Charcot-Marie-Tooth Neuropathy Type 2O. Identifiers: Orphanet 284232, MedGen C3280220, MONDO:0013644, OMIM 614228.
Asphyxiating thoracic dystrophy 3. Also called: SHORT-RIB THORACIC DYSPLASIA 3 WITH OR WITHOUT POLYDACTYLY; Short rib polydactyly syndrome 2B; Saldino-Noonan Syndrome; POLYDACTYLY WITH NEONATAL CHONDRODYSTROPHY, TYPE I; SHORT-RIB THORACIC DYSPLASIA 3/6 WITH POLYDACTYLY, DIGENIC. Identifiers: Orphanet 474, Orphanet 93269, Orphanet 93270, Orphanet 93271, MedGen C0036069, MONDO:0013127, OMIM 613091.

Allele frequency attached by ClinVar (database versions not stated): gnomAD exomes 0.00001.
gnomAD v4.1: 10 of 1,614,138 alleles (0.00062%); highest among the groups gnomAD compares: Non-Finnish European, 0.00085%; no homozygotes.

Submissions (2):

Genomic Medicine Center of Excellence, King Faisal Specialist Hospital and Research Centre
Classification: Uncertain significance for Asphyxiating thoracic dystrophy 3. Last evaluated: 2024-12-19. Review status: criteria provided, single submitter. Criteria: ACMG Guidelines, 2015. Collection method: clinical testing. Allele origin: germline.

Labcorp Genetics (formerly Invitae), Labcorp
Classification: Uncertain significance for Charcot-Marie-Tooth disease axonal type 2O. Last evaluated: 2024-11-15. Review status: criteria provided, single submitter. Criteria: Invitae Variant Classification Sherloc (09022015). Collection method: clinical testing. Allele origin: germline.
Comment: This sequence change replaces aspartic acid, which is acidic and polar, with asparagine, which is neutral and polar, at codon 1344 of the DYNC1H1 protein (p.Asp1344Asn). This variant is not present in population databases (gnomAD no frequency). This variant has not been reported in the literature in individuals affected with DYNC1H1-related conditions. ClinVar contains an entry for this variant (Variation ID: 1448166). Invitae Evidence Modeling of protein sequence and biophysical properties (such as structural, functional, and spatial information, amino acid conservation, physicochemical variation, residue mobility, and thermodynamic stability) indicates that this missense variant is not expected to disrupt DYNC1H1 protein function with a negative predictive value of 95%. In summary, the available evidence is currently insufficient to determine the role of this variant in disease. Therefore, it has been classified as a Variant of Uncertain Significance.

NM_001376.5(DYNC1H1):c.4030G>A (p.Asp1344Asn)

Gene: DYNC1H1 (dynein cytoplasmic 1 heavy chain 1; plus strand). Cytogenetic location: 14q32.31.
Variant type: single nucleotide variant.
Coding change: c.4030G>A on transcript NM_001376.5 (MANE Select); coding-DNA position 4030, G replaced by A.
Protein change: p.Asp1344Asn; replaces aspartic acid 1344 with asparagine.
Molecular consequence: missense variant.
Genome position (GRCh38, 1-based): chr14:102,000,355, G>A. VCF-style: chr14-102000355-G-A. GRCh37 (hg19) VCF-style: chr14-102466692-G-A.
Other names: short protein forms D1344N.
Identifiers: ClinVar variation 1448166 (VCV001448166.7), dbSNP rs575285403, ClinGen allele CA266993883.
Genomic context (GRCh38, chr14:102,000,355, plus strand): 5'-GAAGAATTACAGGACCTCAAAGGCGTTTGGTCAGAACTTTCTAAGGTTTGGGAGCAAATC[G>A]ATCAGATGAAGGAGCAACCCTGGGTTTCAGTACAGCCTCGAAAGGTATATCATGAAATCG-3'
Protein context (NP_001367.2, residues 1334-1354): SELSKVWEQI[Asp1344Asn]QMKEQPWVSV